The following is an entry in ClinVar:

ClinVar aggregate classification (germline): Uncertain significance. Review status: criteria provided, multiple submitters, no conflicts (2 of 4 stars). 2 submissions from 2 submitters: Uncertain significance (2). Last evaluated 2022-11-18.

Conditions:
Inborn genetic diseases. Identifiers: MedGen C0950123, MeSH D030342.

Allele frequency attached by ClinVar (database versions not stated): gnomAD 0.00001; TOPMed 0.00003; ExAC 0.00004; gnomAD exomes 0.00004 and 0.00005.
gnomAD v4.1: 56 of 1,613,398 alleles (0.0035%); highest among the groups gnomAD compares: Middle Eastern, 0.066%; no homozygotes.

Submissions (2):

Ambry Genetics
Classification: Uncertain significance for Inborn genetic diseases. Last evaluated: 2022-11-18. Review status: criteria provided, single submitter. Criteria: Ambry Variant Classification Scheme 2023. Collection method: clinical testing. Allele origin: germline.

Labcorp Genetics (formerly Invitae), Labcorp
Classification: Uncertain significance. Last evaluated: 2022-08-20. Review status: criteria provided, single submitter. Criteria: Invitae Variant Classification Sherloc (09022015). Collection method: clinical testing. Allele origin: germline.
Comment: This sequence change replaces arginine, which is basic and polar, with tryptophan, which is neutral and slightly polar, at codon 306 of the STN1 protein (p.Arg306Trp). This variant is present in population databases (rs753557631, gnomAD 0.02%). This variant has not been reported in the literature in individuals affected with STN1-related conditions. ClinVar contains an entry for this variant (Variation ID: 1520730). Algorithms developed to predict the effect of missense changes on protein structure and function (SIFT, PolyPhen-2, Align-GVGD) all suggest that this variant is likely to be tolerated. In summary, the available evidence is currently insufficient to determine the role of this variant in disease. Therefore, it has been classified as a Variant of Uncertain Significance.

NM_024928.5(STN1):c.916C>T (p.Arg306Trp)

Gene: STN1 (STN1 subunit of CST complex; minus strand). Cytogenetic location: 10q24.33.
Variant type: single nucleotide variant.
Coding change: c.916C>T on transcript NM_024928.5 (MANE Select); coding-DNA position 916, C replaced by T.
Protein change: p.Arg306Trp; replaces arginine 306 with tryptophan.
Molecular consequence: missense variant.
Genome position (GRCh38, 1-based): chr10:103,889,105, G>A on the plus strand (C>T on the coding strand, the complement: STN1 is on the minus strand). VCF-style: chr10-103889105-G-A. GRCh37 (hg19) VCF-style: chr10-105648863-G-A.
Other names: c.916C>T (NM_024928.4); short protein forms R306W.
Identifiers: ClinVar variation 1520730 (VCV001520730.6), dbSNP rs753557631, ClinGen allele CA5676465.